The following is an entry in ClinVar:

ClinVar aggregate classification (germline): Uncertain significance (1 of 4 stars; one submission).

Allele frequency attached by ClinVar (database versions not stated): ExAC 0.00001; gnomAD 0.00001; gnomAD exomes 0.00001.
gnomAD v4.1: 9 of 1,614,060 alleles (0.00056%); highest among the groups gnomAD compares: South Asian, 0.0033%; no homozygotes.

Submission:

Labcorp Genetics (formerly Invitae), Labcorp
Classification: Uncertain significance. Last evaluated: 2025-11-21. Review status: criteria provided, single submitter. Criteria: Invitae Variant Classification Sherloc (09022015). Collection method: clinical testing. Allele origin: germline.
Comment: This sequence change replaces alanine, which is neutral and non-polar, with valine, which is neutral and non-polar, at codon 1113 of the CACNA1D protein (p.Ala1113Val). This variant is present in population databases (rs760291838, gnomAD 0.003%). This variant has not been reported in the literature in individuals affected with CACNA1D-related conditions. ClinVar contains an entry for this variant (Variation ID: 1954615). Invitae Evidence Modeling of protein sequence and biophysical properties (such as structural, functional, and spatial information, amino acid conservation, physicochemical variation, residue mobility, and thermodynamic stability) has been performed for this missense variant. However, the output from this modeling did not meet the statistical confidence thresholds required to predict the impact of this variant on CACNA1D protein function. In summary, the available evidence is currently insufficient to determine the role of this variant in disease. Therefore, it has been classified as a Variant of Uncertain Significance.

NM_001128840.3(CACNA1D):c.3278C>T (p.Ala1093Val)

Gene: CACNA1D (calcium voltage-gated channel subunit alpha1 D; plus strand). Cytogenetic location: 3p21.1.
Variant type: single nucleotide variant.
Coding change: c.3278C>T on transcript NM_001128840.3 (MANE Select); coding-DNA position 3278, C replaced by T.
Protein change: p.Ala1093Val; replaces alanine 1093 with valine.
Molecular consequence: missense variant.
Genome position (GRCh38, 1-based): chr3:53,747,412, C>T. VCF-style: chr3-53747412-C-T. GRCh37 (hg19) VCF-style: chr3-53781439-C-T.
Other names: c.3338C>T, p.Ala1113Val (NM_000720.4); c.3278C>T, p.Ala1093Val (NM_001128839.3); short protein forms A1093V, A1113V.
Identifiers: ClinVar variation 1954615 (VCV001954615.5), dbSNP rs760291838, ClinGen allele CA2454509.